The following is an entry in ClinVar:

NM_003399.6(XPNPEP2):c.990G>A (p.Met330Ile)

Gene: XPNPEP2 (X-prolyl aminopeptidase 2; plus strand). Cytogenetic location: Xq26.1.
Variant type: single nucleotide variant.
Coding change: c.990G>A on transcript NM_003399.6 (MANE Select); coding-DNA position 990, G replaced by A.
Protein change: p.Met330Ile; replaces methionine 330 with isoleucine.
Molecular consequence: missense variant.
Genome position (GRCh38, 1-based): chrX:129,752,318, G>A. VCF-style: chrX-129752318-G-A. GRCh37 (hg19) VCF-style: chrX-128886294-G-A.
Other names: short protein forms M330I.
Identifiers: ClinVar variation 5032080 (VCV005032080.1).

ClinVar aggregate classification (germline): Uncertain significance (1 of 4 stars; one submission).

Submission:

Ambry Genetics
Classification: Uncertain significance. Last evaluated: 2026-07-28. Review status: criteria provided, single submitter. Criteria: Ambry Variant Classification Scheme 2023. Collection method: clinical testing. Allele origin: germline.
Comment: The c.990G>A (p.M330I) alteration is located in exon 10 (coding exon 10) of the XPNPEP2 gene. This alteration results from a G to A substitution at nucleotide position 990, causing the methionine (M) at amino acid position 330 to be replaced by an isoleucine (I). Based on data from gnomAD, the A allele has an overall frequency of <0.001% (1/182061) total alleles studied. The highest observed frequency was 0.001% (1/81105) of European (non-Finnish) alleles. Based on insufficient or conflicting evidence, the clinical significance of this alteration remains unclear.